The following is an entry in ClinVar:

NM_004380.3(CREBBP):c.4728+4C>T

Gene: CREBBP (CREB binding lysine acetyltransferase; minus strand). Cytogenetic location: 16p13.3.
Variant type: single nucleotide variant.
Coding change: c.4728+4C>T on transcript NM_004380.3 (MANE Select); 4 bases into the intron after coding-DNA position 4728, C replaced by T.
Molecular consequence: intron variant.
Genome position (GRCh38, 1-based): chr16:3,736,032, G>A on the plus strand (C>T on the coding strand, the complement: CREBBP is on the minus strand). VCF-style: chr16-3736032-G-A. GRCh37 (hg19) VCF-style: chr16-3786033-G-A.
Other names: c.4614+4C>T (NM_001079846.1).
Identifiers: ClinVar variation 4688631 (VCV004688631.1).

ClinVar aggregate classification (germline): Uncertain significance (1 of 4 stars; one submission).

Submission:

Women's Health and Genetics/Laboratory Corporation of America, LabCorp
Classification: Uncertain significance. Last evaluated: 2025-12-03. Review status: criteria provided, single submitter. Criteria: LabCorp Variant Classification Summary - May 2015. Collection method: clinical testing. Allele origin: germline.
Comment: Variant summary: CREBBP c.4728+4C>T alters a nucleotide located close to a canonical splice site and therefore could affect mRNA splicing, leading to a significantly altered protein sequence. Consensus agreement among computation tools predict no significant impact on normal splicing. However, these predictions have yet to be confirmed by functional studies. The variant was absent in 251260 control chromosomes. The available data on variant occurrences in the general population are insufficient to allow any conclusion about variant significance. To our knowledge, no occurrence of c.4728+4C>T in individuals affected with CREBBP-related conditions and no experimental evidence demonstrating its impact on protein function have been reported. No submitters have cited clinical-significance assessments for this variant to ClinVar. Based on the evidence outlined above, the variant was classified as uncertain significance.